The following is an entry in ClinVar:

NM_172362.3(KCNH1):c.1465C>T (p.Leu489Phe)

Gene: KCNH1 (potassium voltage-gated channel subfamily H member 1; minus strand). Cytogenetic location: 1q32.2.
Variant type: single nucleotide variant.
Coding change: c.1465C>T on transcript NM_172362.3 (MANE Select); coding-DNA position 1465, C replaced by T.
Protein change: p.Leu489Phe; replaces leucine 489 with phenylalanine.
Molecular consequence: missense variant.
Genome position (GRCh38, 1-based): chr1:210,804,164, G>A on the plus strand (C>T on the coding strand, the complement: KCNH1 is on the minus strand). VCF-style: chr1-210804164-G-A. GRCh37 (hg19) VCF-style: chr1-210977506-G-A.
Other names: c.1384C>T, p.Leu462Phe (NM_002238.4); short protein forms L489F, L462F.
Identifiers: ClinVar variation 449572 (VCV000449572.9), dbSNP rs1553345948, ClinGen allele CA344874605.

ClinVar aggregate classification (germline): Pathogenic. Review status: criteria provided, multiple submitters, no conflicts (2 of 4 stars). 3 submissions from 3 submitters: Pathogenic (2). 1 of the submissions does not count toward it. Last evaluated 2025-11-18.

Conditions:
Temple-Baraitser syndrome (TMBTS). Also called: Severe mental retardation and absent nails of hallux and pollex. Identifiers: Orphanet 420561, MedGen C2678486, MONDO:0012735, OMIM 611816.

Submissions (3):

GeneDx
Classification: Pathogenic. Last evaluated: 2025-11-18. Review status: criteria provided, single submitter. Criteria: GeneDx Variant Classification Process June 2021. Collection method: clinical testing. Allele origin: germline. Affected: yes.
Comment: Published functional studies demonstrate a damaging effect with decreased threshold of channel activation and slower deactivation compared to wild type (PMID: 25420144); Not observed at significant frequency in large population cohorts (gnomAD); In silico analysis supports that this missense variant has a deleterious effect on protein structure/function; This variant is associated with the following publications: (PMID: 33594261, 28367272, 26264464, 25420144, 33057194, 35982159)

Labcorp Genetics (formerly Invitae), Labcorp
Classification: Pathogenic. Last evaluated: 2023-05-15. Review status: criteria provided, single submitter. Criteria: Invitae Variant Classification Sherloc (09022015). Collection method: clinical testing. Allele origin: germline.
Comment: This sequence change replaces leucine, which is neutral and non-polar, with phenylalanine, which is neutral and non-polar, at codon 489 of the KCNH1 protein (p.Leu489Phe). This variant is not present in population databases (gnomAD no frequency). This missense change has been observed in individual(s) with clinical features of KCNH1-related disease (PMID: 25420144, 26264464; Invitae). In at least one individual the variant was observed to be de novo. ClinVar contains an entry for this variant (Variation ID: 449572). For these reasons, this variant has been classified as Pathogenic. Experimental studies have shown that this missense change affects KCNH1 function (PMID: 25420144). An algorithm developed to predict the effect of missense changes on protein structure and function (PolyPhen-2) suggests that this variant is likely to be disruptive.

Solve-RD Consortium
Classification: Likely pathogenic for Temple-Baraitser syndrome. Last evaluated: 2022-06-01. Review status: no assertion criteria provided. Collection method: provider interpretation. Allele origin: inherited. Affected: yes. Not counted in ClinVar's aggregate classification.
Comment: Variant confirmed as disease-causing by referring clinical team

Variant identified during reanalysis of unsolved cases by the Solve-RD project. The Solve-RD project has received funding from the European Union’s Horizon 2020 research and innovation programme under grant agreement No 779257.

Literature cited by the submitters: PubMed 25420144 (cited by Labcorp Genetics (formerly Invitae), Labcorp); PubMed 26264464 (cited by Labcorp Genetics (formerly Invitae), Labcorp); PubMed 39825153 (cited by Solve-RD Consortium).